The following is an entry in ClinVar:

NM_015100.4(POGZ):c.256_257del (p.Leu86fs)

Gene: POGZ (pogo transposable element derived with ZNF domain; minus strand). Cytogenetic location: 1q21.3.
Variant type: Microsatellite.
Coding change: c.256_257del on transcript NM_015100.4 (MANE Select); coding-DNA positions 256 to 257, 2 bases deleted (CT; older notation c.256_257delCT).
Protein change: p.Leu86fs; shifts the reading frame from leucine 86.
Molecular consequence: frameshift variant. On other transcripts: intron variant (2).
Genome position (GRCh38, 1-based): chr1:151,440,954-151,440,955, AG deleted on the plus strand (CT on the coding strand, the reverse complement: POGZ is on the minus strand); deleting any 2 consecutive bases within chr1:151,440,954-151,440,957 gives the same sequence; the c. name uses the placement nearest the transcript's 3' end. VCF-style (leftmost placement, unchanged base first): chr1-151440953-AAG-A. GRCh37 (hg19) VCF-style: chr1-151413429-AAG-A.
Other names: c.256_257del, p.Leu86fs (NM_001194937.2, NM_145796.4); c.275_276CT[1], p.Leu93Cysfs (NM_001410860.1); c.124+1126_124+1127del (NM_001194938.2, NM_207171.2); short protein forms L86fs.
Identifiers: ClinVar variation 2429427 (VCV002429427.4), dbSNP rs2529678514, ClinGen allele CA2580611488.

ClinVar aggregate classification (germline): Conflicting classifications of pathogenicity. Review status: criteria provided, conflicting classifications (1 of 4 stars). 2 submissions from 2 submitters: Pathogenic (1); Uncertain significance (1). Last evaluated 2025-08-04.

Conditions:
Intellectual disability-microcephaly-strabismus-behavioral abnormalities syndrome. Also called: White-Sutton Syndrome. Identifiers: Orphanet 468678, MedGen C4225351, MONDO:0014606, OMIM 616364.

Submissions (2):

MVZ Martinsried, Medicover Genetics
Classification: Pathogenic for Intellectual disability-microcephaly-strabismus-behavioral abnormalities syndrome. Last evaluated: 2025-08-04. Review status: criteria provided, single submitter. Criteria: ClinGen Variant Curation SOP V3.2 + Classification Guidance July2025. Collection method: clinical testing. Allele origin: unknown. Affected: yes.

Illumina Laboratory Services, Illumina
Classification: Uncertain significance. Last evaluated: 2022-10-31. Review status: criteria provided, single submitter. Criteria: ICSL CNVClassificationCriteria Aug2020. Collection method: clinical testing. Allele origin: unknown. Affected: yes.
Comment: The POGZ c.256_257del (p.Leu86CysfsTer54) variant results in the deletion of two nucleotides starting at position c.256, causing a shift in the protein reading frame that is predicted to result in premature termination of the protein. Loss of normal protein function through either protein truncation or nonsense-mediated mRNA decay is expected. To our knowledge, this variant has not been reported in the peer-reviewed literature. The c.256_257del variant is not found in version 2.1.1 or version 3.1.2 of the Genome Aggregation Database. This variant would affect protein isoform 3 of POGZ (PMID: 26942287). POGZ isoforms 2 and 3 are both highly expressed in the brain and differ from the longest annotated isoform of POGZ by the omission of in-frame exons that are alternatively spliced out of the mature transcript (PMID: 26942287). To date, only one individual has been described in the literature with a loss of function variant in exon 3 that would only affect POGZ isoform 3 (PMID: 26942287; 31782611). Based on the available evidence, the c.256_257del (p.Leu86CysfsTer54) variant is classified as a variant of uncertain significance for White-Sutton syndrome.

Literature cited by the submitters: PubMed 31782611 (cited by Illumina Laboratory Services, Illumina); PubMed 26942287 (cited by Illumina Laboratory Services, Illumina).